The following is an entry in ClinVar:

NM_006073.4(TRDN):c.127A>G (p.Thr43Ala)

Gene: TRDN (triadin; minus strand). Cytogenetic location: 6q22.31.
Variant type: single nucleotide variant.
Coding change: c.127A>G on transcript NM_006073.4 (MANE Select); coding-DNA position 127, A replaced by G.
Protein change: p.Thr43Ala; replaces threonine 43 with alanine.
Molecular consequence: missense variant.
Genome position (GRCh38, 1-based): chr6:123,571,028, T>C on the plus strand (A>G on the coding strand, the complement: TRDN is on the minus strand). VCF-style: chr6-123571028-T-C. GRCh37 (hg19) VCF-style: chr6-123892173-T-C.
Other names: c.127A>G (NM_006073.2); c.127A>G, p.Thr43Ala (NM_001251987.2, NM_001256020.2, NM_001256021.2 and 1 more transcripts); short protein forms T43A.
Identifiers: ClinVar variation 569735 (VCV000569735.10), dbSNP rs367564871, ClinGen allele CA3984464.

ClinVar aggregate classification (germline): Uncertain significance. Review status: criteria provided, multiple submitters, no conflicts (2 of 4 stars). 3 submissions from 3 submitters: Uncertain significance (3). Last evaluated 2025-10-14.

Conditions:
Cardiovascular phenotype. Identifiers: MedGen CN230736.
Catecholaminergic polymorphic ventricular tachycardia 1. Also called: RYR2-Related Catecholaminergic Polymorphic Ventricular Tachycardia; VENTRICULAR TACHYCARDIA, CATECHOLAMINERGIC POLYMORPHIC, 1, WITH OR WITHOUT ATRIAL DYSFUNCTION AND/OR DILATED CARDIOMYOPATHY; VENTRICULAR TACHYCARDIA, STRESS-INDUCED POLYMORPHIC 1. Identifiers: Orphanet 3286, MedGen C1631597, MONDO:0011484, OMIM 604772.
Catecholaminergic polymorphic ventricular tachycardia 5 (CARDAR). Also called: Ventricular tachycardia, catecholaminergic polymorphic, 5, with or without muscle weakness; CARDIAC ARRHYTHMIA SYNDROME, WITH OR WITHOUT SKELETAL MUSCLE WEAKNESS. Identifiers: Orphanet 3286, MedGen C3809536, MONDO:0014191, OMIM 615441.

Allele frequency attached by ClinVar (database versions not stated): ExAC 0.00002; gnomAD 0.00002; gnomAD exomes 0.00002 and 0.00007; TOPMed 0.00003; ESP Exome Variant Server 0.00008.
gnomAD v4.1: 98 of 1,613,890 alleles (0.0061%); highest among the groups gnomAD compares: Non-Finnish European, 0.0081%; no homozygotes.

Submissions (3):

Ambry Genetics
Classification: Uncertain significance for Cardiovascular phenotype. Last evaluated: 2025-10-14. Review status: criteria provided, single submitter. Criteria: Ambry Variant Classification Scheme 2023. Collection method: clinical testing. Allele origin: germline.
Comment: The p.T43A variant (also known as c.127A>G), located in coding exon 2 of the TRDN gene, results from an A to G substitution at nucleotide position 127. The threonine at codon 43 is replaced by alanine, an amino acid with similar properties. This amino acid position is conserved. In addition, this alteration is predicted to be deleterious by in silico analysis. Since supporting evidence is limited at this time, the clinical significance of this alteration remains unclear.

Fulgent Genetics
Classification: Uncertain significance for Catecholaminergic polymorphic ventricular tachycardia 1; Catecholaminergic polymorphic ventricular tachycardia 5. Last evaluated: 2021-11-02. Review status: criteria provided, single submitter. Criteria: ACMG Guidelines, 2015. Collection method: clinical testing. Allele origin: unknown.

Labcorp Genetics (formerly Invitae), Labcorp
Classification: Uncertain significance for Catecholaminergic polymorphic ventricular tachycardia 1. Last evaluated: 2021-08-24. Review status: criteria provided, single submitter. Criteria: Invitae Variant Classification Sherloc (09022015). Collection method: clinical testing. Allele origin: germline.
Comment: This sequence change replaces threonine with alanine at codon 43 of the TRDN protein (p.Thr43Ala). The threonine residue is moderately conserved and there is a small physicochemical difference between threonine and alanine. This variant is present in population databases (rs367564871, ExAC 0.004%). This variant has not been reported in the literature in individuals affected with TRDN-related conditions. Algorithms developed to predict the effect of missense changes on protein structure and function are either unavailable or do not agree on the potential impact of this missense change (SIFT: "Deleterious"; PolyPhen-2: "Not Available"; Align-GVGD: "Class C0"). In summary, the available evidence is currently insufficient to determine the role of this variant in disease. Therefore, it has been classified as a Variant of Uncertain Significance.